The following is an entry in ClinVar:

NM_001378964.1(CDON):c.985G>A (p.Val329Ile)

Gene: CDON (cell adhesion associated, oncogene regulated; minus strand). Cytogenetic location: 11q24.2.
Variant type: single nucleotide variant.
Coding change: c.985G>A on transcript NM_001378964.1 (MANE Select); coding-DNA position 985, G replaced by A.
Protein change: p.Val329Ile; replaces valine 329 with isoleucine.
Molecular consequence: missense variant.
Genome position (GRCh38, 1-based): chr11:126,015,454, C>T on the plus strand (G>A on the coding strand, the complement: CDON is on the minus strand). VCF-style: chr11-126015454-C-T. GRCh37 (hg19) VCF-style: chr11-125885349-C-T.
Other names: c.985G>A, p.Val329Ile (NM_001243597.3, NM_016952.6); short protein forms V329I.
Identifiers: ClinVar variation 2637108 (VCV002637108.1), dbSNP rs756878197, ClinGen allele CA383210408.

ClinVar aggregate classification (germline): Uncertain significance (1 of 4 stars; one submission).

Conditions:
CDON-related disorder. Also called: CDON-related condition.

gnomAD v4.1: 11 of 1,613,874 alleles (0.00068%); highest among the groups gnomAD compares: Non-Finnish European, 0.00093%; no homozygotes.

Submission:

PreventionGenetics, part of Exact Sciences
Classification: Uncertain significance for CDON-related condition. Last evaluated: 2022-12-15. Review status: criteria provided, single submitter. Criteria: ACMG Guidelines, 2015. Collection method: clinical testing. Allele origin: germline.
Comment: The CDON c.985G>A variant is predicted to result in the amino acid substitution p.Val329Ile. To our knowledge, this variant has not been reported in the literature or in a large population database, indicating this variant is rare. At this time, the clinical significance of this variant is uncertain due to the absence of conclusive functional and genetic evidence.